The following is an entry in ClinVar:

ClinVar aggregate classification (germline): Conflicting classifications of pathogenicity. Review status: criteria provided, conflicting classifications (1 of 4 stars). 2 submissions from 2 submitters: Uncertain significance (1); Likely benign (1). Last evaluated 2025-09-28.

Conditions:
Inborn genetic diseases. Identifiers: MedGen C0950123, MeSH D030342.

Allele frequency attached by ClinVar (database versions not stated): gnomAD 0.00006; ExAC 0.00008; ESP Exome Variant Server 0.00008; TOPMed 0.00008; gnomAD exomes 0.00010; 1000 Genomes Project 30x 0.00016; 1000 Genomes Project 0.00020.
gnomAD v4.1: 65 of 1,614,058 alleles (0.004%); highest among the groups gnomAD compares: South Asian, 0.043%; no homozygotes.

Submissions (2):

Labcorp Genetics (formerly Invitae), Labcorp
Classification: Uncertain significance. Last evaluated: 2025-09-28. Review status: criteria provided, single submitter. Criteria: Invitae Variant Classification Sherloc (09022015). Collection method: clinical testing. Allele origin: germline.
Comment: This sequence change replaces arginine, which is basic and polar, with glutamine, which is neutral and polar, at codon 354 of the DUOX2 protein (p.Arg354Gln). This variant is present in population databases (rs370954970, gnomAD 0.04%). This variant has not been reported in the literature in individuals affected with DUOX2-related conditions. ClinVar contains an entry for this variant (Variation ID: 1360615). Invitae Evidence Modeling of protein sequence and biophysical properties (such as structural, functional, and spatial information, amino acid conservation, physicochemical variation, residue mobility, and thermodynamic stability) indicates that this missense variant is not expected to disrupt DUOX2 protein function with a negative predictive value of 80%. In summary, the available evidence is currently insufficient to determine the role of this variant in disease. Therefore, it has been classified as a Variant of Uncertain Significance.

Ambry Genetics
Classification: Likely benign for Inborn genetic diseases. Last evaluated: 2023-07-30. Review status: criteria provided, single submitter. Criteria: Ambry Variant Classification Scheme 2023. Collection method: clinical testing. Allele origin: germline.

NM_001363711.2(DUOX2):c.1061G>A (p.Arg354Gln)

Gene: DUOX2 (dual oxidase 2; minus strand). Cytogenetic location: 15q21.1.
Variant type: single nucleotide variant.
Coding change: c.1061G>A on transcript NM_001363711.2 (MANE Select); coding-DNA position 1061, G replaced by A.
Protein change: p.Arg354Gln; replaces arginine 354 with glutamine.
Molecular consequence: missense variant.
Genome position (GRCh38, 1-based): chr15:45,109,960, C>T on the plus strand (G>A on the coding strand, the complement: DUOX2 is on the minus strand). VCF-style: chr15-45109960-C-T. GRCh37 (hg19) VCF-style: chr15-45402158-C-T.
Other names: c.1061G>A (NM_014080.4); c.1061G>A, p.Arg354Gln (NM_014080.5); short protein forms R354Q.
Identifiers: ClinVar variation 1360615 (VCV001360615.7), dbSNP rs370954970, ClinGen allele CA7538755.